The following is an entry in ClinVar:

ClinVar aggregate classification (germline): Uncertain significance (1 of 4 stars; one submission).

Allele frequency attached by ClinVar (database versions not stated): gnomAD exomes below 0.00001; TOPMed below 0.00001; ExAC 0.00001; gnomAD 0.00001.

Submission:

Labcorp Genetics (formerly Invitae), Labcorp
Classification: Uncertain significance. Last evaluated: 2022-11-01. Review status: criteria provided, single submitter. Criteria: Invitae Variant Classification Sherloc (09022015). Collection method: clinical testing. Allele origin: germline.
Comment: This variant is present in population databases (rs771362888, gnomAD 0.003%). In summary, the available evidence is currently insufficient to determine the role of this variant in disease. Therefore, it has been classified as a Variant of Uncertain Significance. Advanced modeling of protein sequence and biophysical properties (such as structural, functional, and spatial information, amino acid conservation, physicochemical variation, residue mobility, and thermodynamic stability) performed at Invitae indicates that this missense variant is expected to disrupt TTPA protein function. This variant has not been reported in the literature in individuals affected with TTPA-related conditions. This sequence change replaces glutamic acid, which is acidic and polar, with lysine, which is basic and polar, at codon 244 of the TTPA protein (p.Glu244Lys).

NM_000370.3(TTPA):c.730G>A (p.Glu244Lys)

Gene: TTPA (alpha tocopherol transfer protein; minus strand). Cytogenetic location: 8q12.3.
Variant type: single nucleotide variant.
Coding change: c.730G>A on transcript NM_000370.3 (MANE Select); coding-DNA position 730, G replaced by A.
Protein change: p.Glu244Lys; replaces glutamic acid 244 with lysine.
Molecular consequence: missense variant.
Genome position (GRCh38, 1-based): chr8:63,061,359, C>T on the plus strand (G>A on the coding strand, the complement: TTPA is on the minus strand). VCF-style: chr8-63061359-C-T. GRCh37 (hg19) VCF-style: chr8-63973918-C-T.
Other names: c.382G>A, p.Glu128Lys (NM_001413414.1); c.425G>A, p.Gly142Glu (NM_001413415.1); c.*632G>A (NM_001413416.1); c.271G>A, p.Glu91Lys (NM_001413417.1); c.847G>A, p.Glu283Lys (NM_001413418.1); short protein forms E128K, E244K, E283K, E91K, G142E.
Identifiers: ClinVar variation 2414696 (VCV002414696.5), dbSNP rs771362888, ClinGen allele CA4763151.
Genomic context (GRCh38, chr8:63,061,359, plus strand): 5'-TTATAAAATTTGTCCATTCCTGACAAATGTCCTCCATGGAGAATTCTTCACCACCATATT[C>T]CAGAGGAAGAATGTCTGGGAAATGCTGAAGCAAGCTTTGTTTGTAGTTGTTCCCATGCAT-3'
Protein context (NP_000361.1, residues 234-254): LQHFPDILPL[Glu244Lys]YGGEEFSMED